The following is an entry in ClinVar:

ClinVar aggregate classification (germline): Uncertain significance (1 of 4 stars; one submission).

Conditions:
Inborn genetic diseases. Identifiers: MedGen C0950123, MeSH D030342.

Submission:

Ambry Genetics
Classification: Uncertain significance for Inborn genetic diseases. Last evaluated: 2025-08-15. Review status: criteria provided, single submitter. Criteria: Ambry Variant Classification Scheme 2023. Collection method: clinical testing. Allele origin: germline.
Comment: The p.F1270L variant (also known as c.3808T>C), located in coding exon 1 of the SAMD9L gene, results from a T to C substitution at nucleotide position 3808. The phenylalanine at codon 1270 is replaced by leucine, an amino acid with highly similar properties. This amino acid position is conserved. In addition, this alteration is predicted to be tolerated by in silico analysis. Based on the available evidence, the clinical significance of this variant remains unclear.

NM_152703.5(SAMD9L):c.3808T>C (p.Phe1270Leu)

Gene: SAMD9L (sterile alpha motif domain containing 9 like; minus strand). Cytogenetic location: 7q21.2.
Variant type: single nucleotide variant.
Coding change: c.3808T>C on transcript NM_152703.5 (MANE Select); coding-DNA position 3808, T replaced by C.
Protein change: p.Phe1270Leu; replaces phenylalanine 1270 with leucine.
Molecular consequence: missense variant.
Genome position (GRCh38, 1-based): chr7:93,132,164, A>G on the plus strand (T>C on the coding strand, the complement: SAMD9L is on the minus strand). VCF-style: chr7-93132164-A-G. GRCh37 (hg19) VCF-style: chr7-92761477-A-G.
Other names: c.3808T>C, p.Phe1270Leu (NM_001303496.3, NM_001303497.3, NM_001303498.3 and 5 more transcripts); short protein forms F1270L.
Identifiers: ClinVar variation 4159405 (VCV004159405.1).